The following is an entry in ClinVar:

ClinVar aggregate classification (germline): Conflicting classifications of pathogenicity. Review status: criteria provided, conflicting classifications (1 of 4 stars). 3 submissions from 3 submitters: Likely pathogenic (1); Uncertain significance (2). Last evaluated 2022-03-08.

Conditions:
Cardiovascular phenotype. Identifiers: MedGen CN230736.
Cardiomyopathy (CMYO). Also called: Cardiomyopathies. Identifiers: Orphanet 167848, MedGen C0878544, MONDO:0004994, HP:0001638. Inheritance: Various modes of inheritance.
Hypertrophic cardiomyopathy. Also called: HYPERTROPHIC MYOCARDIOPATHY. Identifiers: Orphanet 217569, MedGen C0007194, MeSH D002312, MONDO:0005045, HP:0001639.

Submissions (3):

Labcorp Genetics (formerly Invitae), Labcorp
Classification: Uncertain significance for Hypertrophic cardiomyopathy. Last evaluated: 2022-03-08. Review status: criteria provided, single submitter. Criteria: Invitae Variant Classification Sherloc (09022015). Collection method: clinical testing. Allele origin: germline.
Comment: In summary, the available evidence is currently insufficient to determine the role of this variant in disease. Therefore, it has been classified as a Variant of Uncertain Significance. Algorithms developed to predict the effect of missense changes on protein structure and function are either unavailable or do not agree on the potential impact of this missense change (SIFT: "Tolerated"; PolyPhen-2: "Probably Damaging"; Align-GVGD: "Class C0"). ClinVar contains an entry for this variant (Variation ID: 188697). This missense change has been observed in individual(s) with hypertrophic cardiomyopathy (Invitae). It has also been observed to segregate with disease in related individuals. This variant is not present in population databases (gnomAD no frequency). This sequence change replaces glutamic acid, which is acidic and polar, with valine, which is neutral and non-polar, at codon 187 of the TPM1 protein (p.Glu187Val).

Ambry Genetics
Classification: Likely pathogenic for Cardiovascular phenotype. Last evaluated: 2021-10-18. Review status: criteria provided, single submitter. Criteria: Ambry Variant Classification Scheme 2023. Collection method: clinical testing. Allele origin: germline.
Comment: The p.E187V variant (also known as c.560A>T), located in coding exon 5 of the TPM1 gene, results from an A to T substitution at nucleotide position 560. The glutamic acid at codon 187 is replaced by valine, an amino acid with dissimilar properties. This amino acid position is highly conserved in available vertebrate species. This alteration has been observed in at least one individual with a personal and/or family history that is consistent with TPM1-related disease, cosegregating with hypertrophic cardiomyopathy in several family members (Ambry internal data). This missense alteration is located in a region that has a low rate of benign missense variation (Lek M et al. Nature. 2016 Aug 18;536(7616):285-91; DECIPHER: Database of Chromosomal Imbalance and Phenotype in Humans using Ensembl Resources. Firth H.V. et al. 2009. Am.J.Hum.Genet. 84, 524-533 (DOI)). This variant is considered to be rare based on population cohorts in the Genome Aggregation Database (gnomAD). In addition, this alteration is predicted to be deleterious by in silico analysis. Based on the majority of available evidence to date, this variant is likely to be pathogenic.

CHEO Genetics Diagnostic Laboratory, Children's Hospital of Eastern Ontario
Classification: Uncertain significance for Cardiomyopathy. Last evaluated: 2020-08-17. Review status: criteria provided, single submitter. Criteria: ACMG Guidelines, 2015. Collection method: clinical testing. Allele origin: germline.

NM_001018005.2(TPM1):c.560A>T (p.Glu187Val)

Gene: TPM1 (tropomyosin 1; plus strand). Cytogenetic location: 15q22.2.
Variant type: single nucleotide variant.
Coding change: c.560A>T on transcript NM_001018005.2 (MANE Select); coding-DNA position 560, A replaced by T.
Protein change: p.Glu187Val; replaces glutamic acid 187 with valine.
Molecular consequence: missense variant.
Genome position (GRCh38, 1-based): chr15:63,060,936, A>T. VCF-style: chr15-63060936-A-T. GRCh37 (hg19) VCF-style: chr15-63353135-A-T.
Other names: c.560A>T, p.Glu187Val (NM_000366.6, NM_001018004.2, NM_001018006.2 and 6 more transcripts); c.452A>T, p.Glu151Val (NM_001018008.2, NM_001301289.2, NM_001330344.2 and 5 more transcripts); c.686A>T, p.Glu229Val (NM_001365778.1); short protein forms E187V, E151V, E229V.
Identifiers: ClinVar variation 188697 (VCV000188697.12), dbSNP rs786204411, ClinGen allele CA019068.